The following is an entry in ClinVar:

ClinVar aggregate classification (germline): Uncertain significance. Review status: criteria provided, multiple submitters, no conflicts (2 of 4 stars). 3 submissions from 3 submitters: Uncertain significance (2). 1 of the submissions does not count toward it. Last evaluated 2025-03-15.

Conditions:
Inborn genetic diseases. Identifiers: MedGen C0950123, MeSH D030342.
Glycogen storage disease type III (GSD3). Also called: FORBES DISEASE; Cori disease. Identifiers: Orphanet 366, MedGen C0017922, MONDO:0009291, OMIM 232400.

Allele frequency attached by ClinVar (database versions not stated): TOPMed 0.00001.
gnomAD v4.1: 6 of 1,613,898 alleles (0.00037%); highest among the groups gnomAD compares: African/African-American, 0.0013%; no homozygotes.

Submissions (3):

Ambry Genetics
Classification: Uncertain significance for Inborn genetic diseases. Last evaluated: 2025-03-15. Review status: criteria provided, single submitter. Criteria: Ambry Variant Classification Scheme 2023. Collection method: clinical testing. Allele origin: germline.

Labcorp Genetics (formerly Invitae), Labcorp
Classification: Uncertain significance for Glycogen storage disease type III. Last evaluated: 2022-09-01. Review status: criteria provided, single submitter. Criteria: Invitae Variant Classification Sherloc (09022015). Collection method: clinical testing. Allele origin: germline.
Comment: This sequence change replaces methionine, which is neutral and non-polar, with valine, which is neutral and non-polar, at codon 622 of the AGL protein (p.Met622Val). This variant is not present in population databases (gnomAD no frequency). This variant has not been reported in the literature in individuals affected with AGL-related conditions. ClinVar contains an entry for this variant (Variation ID: 640036). Algorithms developed to predict the effect of missense changes on protein structure and function are either unavailable or do not agree on the potential impact of this missense change (SIFT: "Deleterious"; PolyPhen-2: "Benign"; Align-GVGD: "Class C0"). In summary, the available evidence is currently insufficient to determine the role of this variant in disease. Therefore, it has been classified as a Variant of Uncertain Significance.

Natera, Inc.
Classification: Uncertain significance for Glycogen storage disease type III. Last evaluated: 2020-09-16. Review status: no assertion criteria provided. Collection method: clinical testing. Allele origin: germline. Not counted in ClinVar's aggregate classification.

NM_000642.3(AGL):c.1864A>G (p.Met622Val)

Gene: AGL (amylo-alpha-1,6-glucosidase and 4-alpha-glucanotransferase; plus strand). Cytogenetic location: 1p21.2.
Variant type: single nucleotide variant.
Coding change: c.1864A>G on transcript NM_000642.3 (MANE Select); coding-DNA position 1864, A replaced by G.
Protein change: p.Met622Val; replaces methionine 622 with valine.
Molecular consequence: missense variant.
Genome position (GRCh38, 1-based): chr1:99,880,760, A>G. VCF-style: chr1-99880760-A-G. GRCh37 (hg19) VCF-style: chr1-100346316-A-G.
Other names: c.1486A>G, p.Met496Val (NM_001425332.1); c.1663A>G, p.Met555Val (NM_001425327.1); c.1660A>G, p.Met554Val (NM_001425328.1, NM_001425329.1); c.1864A>G, p.Met622Val (NM_000028.3, NM_000643.3, NM_000644.3 and 2 more transcripts); c.1816A>G, p.Met606Val (NM_000646.3); short protein forms M622V, M606V, M496V, M554V, M555V.
Identifiers: ClinVar variation 640036 (VCV000640036.5), dbSNP rs145517369, ClinGen allele CA341316977.
Genomic context (GRCh38, chr1:99,880,760, plus strand): 5'-GGATCCTTTGTTCAGCCCTGTTTGAGGCCTTTAATGCCAGCTATTGCACATGCCCTGTTT[A>G]TGGATATTACGCATGATAATGAGTGTCCTATTGTGGTAAGCACCTAATCTTTTTCATGTA-3'
Protein context (NP_000633.2, residues 612-632): LMPAIAHALF[Met622Val]DITHDNECPI